The following is an entry in ClinVar:

ClinVar aggregate classification (germline): Pathogenic (1 of 4 stars; one submission).

Submission:

Labcorp Genetics (formerly Invitae), Labcorp
Classification: Pathogenic. Last evaluated: 2021-11-02. Review status: criteria provided, single submitter. Criteria: Invitae Variant Classification Sherloc (09022015). Collection method: clinical testing. Allele origin: germline.
Comment: For these reasons, this variant has been classified as Pathogenic. This variant has not been reported in the literature in individuals affected with PCDH15-related conditions. This variant is not present in population databases (gnomAD no frequency). This sequence change creates a premature translational stop signal (p.Gln738*) in the PCDH15 gene. It is expected to result in an absent or disrupted protein product. Loss-of-function variants in PCDH15 are known to be pathogenic (PMID: 11398101, 11487575, 14570705).

Literature cited by the submitters: PubMed 11398101; PubMed 11487575; PubMed 14570705.

NM_001384140.1(PCDH15):c.2212C>T (p.Gln738Ter)

Gene: PCDH15 (protocadherin related 15; minus strand). Cytogenetic location: 10q21.1.
Variant type: single nucleotide variant.
Coding change: c.2212C>T on transcript NM_001384140.1 (MANE Select); coding-DNA position 2212, C replaced by T.
Protein change: p.Gln738Ter; replaces glutamine 738 with a stop codon.
Molecular consequence: nonsense.
Genome position (GRCh38, 1-based): chr10:54,066,765, G>A on the plus strand (C>T on the coding strand, the complement: PCDH15 is on the minus strand). VCF-style: chr10-54066765-G-A. GRCh37 (hg19) VCF-style: chr10-55826525-G-A.
Other names: c.2227C>T, p.Gln743Ter (NM_001142763.2, NM_001142771.2); c.2212C>T, p.Gln738Ter (NM_001142764.2, NM_001142766.2, NM_001142770.3 and 5 more transcripts); c.1999C>T, p.Gln667Ter (NM_001142765.2); c.2101C>T, p.Gln701Ter (NM_001142767.2); c.2146C>T, p.Gln716Ter (NM_001142768.2, NM_001142773.2, NM_001354404.2); c.2248C>T, p.Gln750Ter (NM_001142769.4); c.2233C>T, p.Gln745Ter (NM_001354411.2); short protein forms Q738*, Q750*, Q667*, Q716*, Q743*, Q745*, Q701*.
Identifiers: ClinVar variation 1434631 (VCV001434631.6), dbSNP rs2135810142, ClinGen allele CA376516606.